The following is an entry in ClinVar:

NM_001127208.3(TET2):c.2698A>C (p.Lys900Gln)

Genes: TET2 (tet methylcytosine dioxygenase 2; plus strand), TET2-AS1 (TET2 antisense RNA 1; minus strand). Cytogenetic location: 4q24.
Variant type: single nucleotide variant.
Coding change: c.2698A>C on transcript NM_001127208.3 (MANE Select); coding-DNA position 2698, A replaced by C.
Protein change: p.Lys900Gln; replaces lysine 900 with glutamine.
Molecular consequence: missense variant.
Genome position (GRCh38, 1-based): chr4:105,236,640, A>C. VCF-style: chr4-105236640-A-C. GRCh37 (hg19) VCF-style: chr4-106157797-A-C.
Other names: c.2698A>C, p.Lys900Gln (NM_017628.4); short protein forms K900Q.
Identifiers: ClinVar variation 3806004 (VCV003806004.1).

ClinVar aggregate classification (germline): Uncertain significance (1 of 4 stars; one submission).

Submission:

Ambry Genetics
Classification: Uncertain significance. Last evaluated: 2025-01-25. Review status: criteria provided, single submitter. Criteria: Ambry Variant Classification Scheme 2023. Collection method: clinical testing. Allele origin: germline.
Comment: The p.K900Q variant (also known as c.2698A>C), located in coding exon 1 of the TET2 gene, results from an A to C substitution at nucleotide position 2698. The lysine at codon 900 is replaced by glutamine, an amino acid with similar properties. This amino acid position is conserved. In addition, this alteration is predicted to be tolerated by in silico analysis. Based on the available evidence, the clinical significance of this variant remains unclear.